The following is an entry in ClinVar:

NM_006421.5(ARFGEF1):c.206A>G (p.Lys69Arg)

Gene: ARFGEF1 (ARF guanine nucleotide exchange factor 1; minus strand). Cytogenetic location: 8q13.2.
Variant type: single nucleotide variant.
Coding change: c.206A>G on transcript NM_006421.5 (MANE Select); coding-DNA position 206, A replaced by G.
Protein change: p.Lys69Arg; replaces lysine 69 with arginine.
Molecular consequence: missense variant. On other transcripts: 5 prime UTR variant (4), non-coding transcript variant (1).
Genome position (GRCh38, 1-based): chr8:67,301,330, T>C on the plus strand (A>G on the coding strand, the complement: ARFGEF1 is on the minus strand). VCF-style: chr8-67301330-T-C. GRCh37 (hg19) VCF-style: chr8-68213565-T-C.
Other names: c.206A>G, p.Lys69Arg (NM_001413184.1, NM_001413185.1, NM_001413186.1 and 7 more transcripts); c.-395A>G (NM_001413188.1, NM_001413193.1, NM_001413197.1); c.-910A>G (NM_001413196.1); short protein forms K69R.
Identifiers: ClinVar variation 3901407 (VCV003901407.1).

ClinVar aggregate classification (germline): Uncertain significance (1 of 4 stars; one submission).

Submission:

GeneDx
Classification: Uncertain significance. Last evaluated: 2024-12-07. Review status: criteria provided, single submitter. Criteria: GeneDx Variant Classification Process June 2021. Collection method: clinical testing. Allele origin: germline. Affected: yes.
Comment: Not observed at significant frequency in large population cohorts (gnomAD); In silico analysis indicates that this missense variant does not alter protein structure/function; Has not been previously published as pathogenic or benign to our knowledge